The following is an entry in ClinVar:

ClinVar aggregate classification (germline): Benign/Likely benign. Review status: criteria provided, multiple submitters, no conflicts (2 of 4 stars). 4 submissions from 4 submitters: Benign (1); Likely benign (3). Last evaluated 2025-12-03.

Conditions:
Hereditary cancer-predisposing syndrome. Also called: Hereditary Cancer Syndrome; Neoplastic Syndromes, Hereditary; Hereditary neoplastic syndrome; Tumor predisposition. Identifiers: Orphanet 140162, MedGen C0027672, MeSH D009386, MONDO:0015356.
Multiple endocrine neoplasia, type 1 (MEN1). Also called: MEN I; WERMER SYNDROME; Endocrine adenomatosis multiple; MEN 1; MEA I. Identifiers: Orphanet 652, MedGen C0025267, MeSH D018761, MONDO:0007540, OMIM 131100.

Allele frequency attached by ClinVar (database versions not stated): gnomAD exomes below 0.00001 and 0.00001; TOPMed below 0.00001; gnomAD 0.00001.
gnomAD v4.1: 5 of 1,598,432 alleles (0.00031%); highest among the groups gnomAD compares: Admixed American, 0.0017%; no homozygotes.

Submissions (4):

Labcorp Genetics (formerly Invitae), Labcorp
Classification: Likely benign for Multiple endocrine neoplasia, type 1. Last evaluated: 2025-12-03. Review status: criteria provided, single submitter. Criteria: Invitae Variant Classification Sherloc (09022015). Collection method: clinical testing. Allele origin: germline.

Color Diagnostics, LLC DBA Color Health
Classification: Likely benign for Multiple endocrine neoplasia, type 1. Last evaluated: 2025-09-14. Review status: criteria provided, single submitter. Criteria: ACMG Guidelines, 2015. Collection method: clinical testing. Allele origin: germline.

Myriad Genetics, Inc.
Classification: Benign for Multiple endocrine neoplasia, type 1. Last evaluated: 2024-10-31. Review status: criteria provided, single submitter. Criteria: Myriad Autosomal Dominant, Autosomal Recessive and X-Linked Classification Criteria (2023). Collection method: clinical testing. Allele origin: unknown.
Comment: This variant is considered benign. This variant is a silent/synonymous amino acid change and it is not expected to impact splicing.

Ambry Genetics
Classification: Likely benign for Hereditary cancer-predisposing syndrome. Last evaluated: 2018-11-27. Review status: criteria provided, single submitter. Criteria: Ambry Variant Classification Scheme 2023. Collection method: clinical testing. Allele origin: germline.

NM_001370259.2(MEN1):c.121C>T (p.Leu41=)

Gene: MEN1 (menin 1; minus strand). Cytogenetic location: 11q13.1.
Variant type: single nucleotide variant.
Coding change: c.121C>T on transcript NM_001370259.2 (MANE Select); coding-DNA position 121, C replaced by T.
Protein change: p.Leu41=; no amino-acid change (leucine 41 retained).
Molecular consequence: synonymous variant.
Genome position (GRCh38, 1-based): chr11:64,809,989, G>A on the plus strand (C>T on the coding strand, the complement: MEN1 is on the minus strand). VCF-style: chr11-64809989-G-A. GRCh37 (hg19) VCF-style: chr11-64577461-G-A.
Other names: c.121C>T, p.Leu41= (NM_000244.4, NM_001370251.2, NM_001370260.2 and 9 more transcripts).
Identifiers: ClinVar variation 818631 (VCV000818631.14), dbSNP rs1441672096, ClinGen allele CA475162988.
Genomic context (GRCh38, chr11:64,809,989, plus strand): 5'-GCTCGGGAACGTTGGTAGGGATGACGCGGTTGACAGCCAGAAAATGCTCCACGAAGCCCA[G>A]CACCAAGGAAAGGAGCACCAGGTCCGGCTCCTCTCGGCCCAGCTCGGCAGCAAACAGGCG-3'
Protein context (NP_001357188.2, residues 31-51): EPDLVLLSLV[Leu41=]GFVEHFLAVN